The following is an entry in ClinVar:

ClinVar aggregate classification (germline): Uncertain significance (1 of 4 stars; one submission).

gnomAD v4.1: 9 of 1,613,956 alleles (0.00056%); highest among the groups gnomAD compares: Non-Finnish European, 0.00076%; no homozygotes.

Submission:

Ambry Genetics
Classification: Uncertain significance. Last evaluated: 2023-12-31. Review status: criteria provided, single submitter. Criteria: Ambry Variant Classification Scheme 2023. Collection method: clinical testing. Allele origin: germline.
Comment: The p.H2504R variant (also known as c.7511A>G), located in coding exon 28 of the POLQ gene, results from an A to G substitution at nucleotide position 7511. The histidine at codon 2504 is replaced by arginine, an amino acid with highly similar properties. This amino acid position is conserved. In addition, this alteration is predicted to be tolerated by in silico analysis. Since supporting evidence is limited at this time, the clinical significance of this alteration remains unclear.

NM_199420.4(POLQ):c.7511A>G (p.His2504Arg)

Gene: POLQ (DNA polymerase theta; minus strand). Cytogenetic location: 3q13.33.
Variant type: single nucleotide variant.
Coding change: c.7511A>G on transcript NM_199420.4 (MANE Select); coding-DNA position 7511, A replaced by G.
Protein change: p.His2504Arg; replaces histidine 2504 with arginine.
Molecular consequence: missense variant.
Genome position (GRCh38, 1-based): chr3:121,436,154, T>C on the plus strand (A>G on the coding strand, the complement: POLQ is on the minus strand). VCF-style: chr3-121436154-T-C. GRCh37 (hg19) VCF-style: chr3-121155001-T-C.
Other names: short protein forms H2504R.
Identifiers: ClinVar variation 1759281 (VCV001759281.2), dbSNP rs773572077, ClinGen allele CA2562166.
Genomic context (GRCh38, chr3:121,436,154, plus strand): 5'-ACAGCACAGGCCTCATCTATGAACAAACCTGTTTGGTCACTTTGGAGCATACCCTCTCGA[T>C]GACCATGGGATTTGAAGGTTGAGTGGAAGGTCTCTAATTGCTTCTGAATGTTAACTGTGG-3'
Protein context (NP_955452.3, residues 2494-2514): TFHSTFKSHG[His2504Arg]REGMLQSDQT